The following is an entry in ClinVar:

NM_021224.6(ZNF462):c.1928A>C (p.Asn643Thr)

Gene: ZNF462 (zinc finger protein 462; plus strand). Cytogenetic location: 9q31.2.
Variant type: single nucleotide variant.
Coding change: c.1928A>C on transcript NM_021224.6 (MANE Select); coding-DNA position 1928, A replaced by C.
Protein change: p.Asn643Thr; replaces asparagine 643 with threonine.
Molecular consequence: missense variant.
Genome position (GRCh38, 1-based): chr9:106,925,840, A>C. VCF-style: chr9-106925840-A-C. GRCh37 (hg19) VCF-style: chr9-109688121-A-C.
Other names: c.1928A>C, p.Asn643Thr (NM_001347997.2); short protein forms N643T.
Identifiers: ClinVar variation 3375387 (VCV003375387.1).

ClinVar aggregate classification (germline): Uncertain significance (1 of 4 stars; one submission).

gnomAD v4.1: 3 of 1,614,204 alleles (0.00019%); highest among the groups gnomAD compares: Non-Finnish European, 0.00025%; no homozygotes.

Submission:

Women's Health and Genetics/Laboratory Corporation of America, LabCorp
Classification: Uncertain significance. Last evaluated: 2024-09-18. Review status: criteria provided, single submitter. Criteria: LabCorp Variant Classification Summary - May 2015. Collection method: clinical testing. Allele origin: germline.
Comment: Variant summary: ZNF462 c.1928A>C (p.Asn643Thr) results in a non-conservative amino acid change in the encoded protein sequence. Three of four in-silico tools predict a benign effect of the variant on protein function. The variant allele was found at a frequency of 1.9e-06 in 1607230 control chromosomes in the gnomAD database (v4.1 dataset). The available data on variant occurrences in the general population are insufficient to allow any conclusion about variant significance. To our knowledge, no occurrence of c.1928A>C in individuals affected with Weiss-Kruszka Syndrome and no experimental evidence demonstrating its impact on protein function have been reported. No submitters have cited clinical-significance assessments for this variant to ClinVar. Based on the evidence outlined above, the variant was classified as uncertain significance.